The following is an entry in ClinVar:

ClinVar aggregate classification (germline): Uncertain significance. Review status: criteria provided, multiple submitters, no conflicts (2 of 4 stars). 2 submissions from 2 submitters: Uncertain significance (2). Last evaluated 2024-02-24.

Conditions:
Retinitis pigmentosa (RP). Identifiers: Orphanet 791, MedGen C0035334, MeSH D012174, MONDO:0019200, OMIM 268000. Inheritance: Autosomal dominant, autosomal recessive and X linked inheritance.

Allele frequency attached by ClinVar (database versions not stated): gnomAD exomes below 0.00001 and 0.00001; ExAC 0.00003.

Submissions (2):

Labcorp Genetics (formerly Invitae), Labcorp
Classification: Uncertain significance. Last evaluated: 2024-02-24. Review status: criteria provided, single submitter. Criteria: Invitae Variant Classification Sherloc (09022015). Collection method: clinical testing. Allele origin: germline.
Comment: This sequence change replaces serine, which is neutral and polar, with leucine, which is neutral and non-polar, at codon 1090 of the PCARE protein (p.Ser1090Leu). This variant is present in population databases (rs761290140, gnomAD 0.003%). This variant has not been reported in the literature in individuals affected with PCARE-related conditions. ClinVar contains an entry for this variant (Variation ID: 896272). An algorithm developed to predict the effect of missense changes on protein structure and function (PolyPhen-2) suggests that this variant is likely to be disruptive. In summary, the available evidence is currently insufficient to determine the role of this variant in disease. Therefore, it has been classified as a Variant of Uncertain Significance.

Illumina Laboratory Services, Illumina
Classification: Uncertain significance for Retinitis pigmentosa. Last evaluated: 2018-01-13. Review status: criteria provided, single submitter. Criteria: ICSL Variant Classification Criteria 13 December 2019. Collection method: clinical testing. Allele origin: germline.

NM_001029883.3(PCARE):c.3269C>T (p.Ser1090Leu)

Gene: PCARE (photoreceptor cilium actin regulator; minus strand). Cytogenetic location: 2p23.2.
Variant type: single nucleotide variant.
Coding change: c.3269C>T on transcript NM_001029883.3 (MANE Select); coding-DNA position 3269, C replaced by T.
Protein change: p.Ser1090Leu; replaces serine 1090 with leucine.
Molecular consequence: missense variant.
Genome position (GRCh38, 1-based): chr2:29,070,993, G>A on the plus strand (C>T on the coding strand, the complement: PCARE is on the minus strand). VCF-style: chr2-29070993-G-A. GRCh37 (hg19) VCF-style: chr2-29293859-G-A.
Other names: short protein forms S1090L.
Identifiers: ClinVar variation 896272 (VCV000896272.12), dbSNP rs761290140, ClinGen allele CA1591980.